The following is an entry in ClinVar:

ClinVar aggregate classification (germline): Pathogenic (1 of 4 stars; one submission).

Conditions:
Infantile epileptic dyskinetic encephalopathy. Identifiers: Orphanet 364063, MedGen C4552072, MONDO:0018226.

Submission:

Women's Health and Genetics/Laboratory Corporation of America, LabCorp
Classification: Pathogenic for Infantile epileptic dyskinetic encephalopathy. Last evaluated: 2026-04-17. Review status: criteria provided, single submitter. Criteria: LabCorp Variant Classification Summary - May 2015. Collection method: clinical testing. Allele origin: germline.
Comment: Variant summary: CAD c.3596delT (p.Phe1199SerfsX12) results in a premature termination codon, predicted to cause a truncation of the encoded protein or absence of the protein due to nonsense mediated decay, which are commonly known mechanisms for disease. The variant was absent in 251442 control chromosomes. To our knowledge, no occurrence of c.3596delT in individuals affected with CAD-related conditions and no experimental evidence demonstrating its impact on protein function have been reported. No submitters have cited clinical-significance assessments for this variant to ClinVar. Based on the evidence outlined above, the variant was classified as pathogenic.

NM_004341.5(CAD):c.3596del (p.Phe1199fs)

Gene: CAD (carbamoyl-phosphate synthetase 2, aspartate transcarbamylase, and dihydroorotase; plus strand). Cytogenetic location: 2p23.3.
Variant type: Deletion.
Coding change: c.3596del on transcript NM_004341.5 (MANE Select); coding-DNA position 3596, one base deleted (T; older notation c.3596delT).
Protein change: p.Phe1199fs; shifts the reading frame from phenylalanine 1199.
Molecular consequence: frameshift variant.
Genome position (GRCh38, 1-based): chr2:27,234,204, T deleted; the last of 2 consecutive T bases (chr2:27,234,203-27,234,204); deleting either gives the same sequence. VCF-style (leftmost placement, unchanged base first): chr2-27234202-CT-C. GRCh37 (hg19) VCF-style: chr2-27457070-CT-C.
Other names: c.3596delT (NM_004341.5); c.3407del, p.Phe1136fs (NM_001306079.2); short protein forms F1136fs, F1199fs.
Identifiers: ClinVar variation 4848445 (VCV004848445.1).